The following is an entry in ClinVar:

NM_007294.4(BRCA1):c.1772del (p.Ile591fs)

Gene: BRCA1 (BRCA1 DNA repair associated; minus strand). Cytogenetic location: 17q21.31.
Variant type: Deletion.
Coding change: c.1772del on transcript NM_007294.4 (MANE Select); coding-DNA position 1772, one base deleted (T; older notation c.1772delT).
Protein change: p.Ile591fs; shifts the reading frame from isoleucine 591.
Molecular consequence: frameshift variant. On other transcripts: intron variant (137).
Genome position (GRCh38, 1-based): chr17:43,093,759, A deleted on the plus strand (T on the coding strand, the reverse complement: BRCA1 is on the minus strand). VCF-style (leftmost placement, unchanged base first): chr17-43093758-TA-T. GRCh37 (hg19) VCF-style: chr17-41245775-TA-T.
Other names: 1891delT; c.784+985del (NM_001407992.1, NM_001408400.1, NM_001408392.1 and 13 more transcripts); c.664+985del (NM_001408440.1, NM_001408428.1, NM_001408441.1 and 12 more transcripts); c.670+2087del (NM_001408418.1, NM_001408423.1, NM_001408420.1 and 2 more transcripts); c.787+985del (NM_001407981.1, NM_007298.4, NM_001407978.1 and 19 more transcripts); c.643+985del (NM_001408462.1, NM_001408470.1, NM_001408464.1 and 3 more transcripts); c.709+985del (NM_001408414.1, NM_001408411.1, NM_001408415.1 and 2 more transcripts); c.577+985del (NM_001408514.1, NM_001408485.1, NM_001408483.1 and 9 more transcripts); and 41 more; short protein forms I544fs, I591fs, I479fs, I503fs, I521fs, I524fs, I543fs, I549fs.
Identifiers: ClinVar variation 54346 (VCV000054346.29), dbSNP rs80357901, ClinGen allele CA001152.

ClinVar aggregate classification (germline): Pathogenic. Review status: reviewed by expert panel (3 of 4 stars). 8 submissions from 8 submitters: Pathogenic (1). 7 of the submissions do not count toward it. Last evaluated 2016-09-08.

Conditions:
Hereditary breast ovarian cancer syndrome. Also called: Hereditary breast and ovarian cancer syndrome (HBOC); Hereditary breast and ovarian cancer syndrome; Hereditary breast and ovarian cancer; Hereditary breast and/or ovarian cancer syndrome; Breast and ovarian cancer; BRCA1- and BRCA2-Associated Hereditary Breast and Ovarian Cancer. Identifiers: Orphanet 145, MedGen C0677776, MeSH D061325, MONDO:0003582. Disease mechanism: loss of function.
Breast-ovarian cancer, familial, susceptibility to, 1 (BROVCA1). Also called: OVARIAN CANCER, SUSCEPTIBILITY TO; BRCA1 Hereditary Breast and Ovarian Cancer. Identifiers: Orphanet 145, MedGen C2676676, MONDO:0011450, OMIM 604370. Disease mechanism: loss of function.

Allele frequency attached by ClinVar (database versions not stated): gnomAD exomes below 0.00001; ExAC 0.00001.

Submissions (8):

Evidence-based Network for the Interpretation of Germline Mutant Alleles (ENIGMA)
Classification: Pathogenic for Breast-ovarian cancer, familial, susceptibility to, 1. Last evaluated: 2016-09-08. Review status: reviewed by expert panel. Criteria: ENIGMA BRCA1/2 Classification Criteria (2015). Collection method: curation. Allele origin: germline.
Comment: Variant allele predicted to encode a truncated non-functional protein.

Labcorp Genetics (formerly Invitae), Labcorp
Classification: Pathogenic for Hereditary breast ovarian cancer syndrome. Last evaluated: 2024-04-24. Review status: criteria provided, single submitter. Criteria: Invitae Variant Classification Sherloc (09022015). Collection method: clinical testing. Allele origin: germline. Not counted in ClinVar's aggregate classification.
Comment: This sequence change creates a premature translational stop signal (p.Ile591Lysfs*8) in the BRCA1 gene. It is expected to result in an absent or disrupted protein product. Loss-of-function variants in BRCA1 are known to be pathogenic (PMID: 20104584). This variant is present in population databases (rs80357901, gnomAD 0.0009%). This premature translational stop signal has been observed in individual(s) with breast cancer (PMID: 30175445). ClinVar contains an entry for this variant (Variation ID: 54346). For these reasons, this variant has been classified as Pathogenic.

Clinical Genetics Laboratory, Skane University Hospital Lund
Classification: Pathogenic. Last evaluated: 2022-07-18. Review status: criteria provided, single submitter. Criteria: ACMG Guidelines, 2015. Collection method: clinical testing. Allele origin: germline. Affected: yes. Not counted in ClinVar's aggregate classification.

Clinical Genetics and Genomics, Karolinska University Hospital
Classification: Pathogenic. Last evaluated: 2016-08-31. Review status: criteria provided, single submitter. Criteria: ACMG Guidelines, 2015. Collection method: clinical testing. Allele origin: germline. Affected: yes. Observed: 3 variant alleles. Not counted in ClinVar's aggregate classification.

Consortium of Investigators of Modifiers of BRCA1/2 (CIMBA), c/o University of Cambridge
Classification: Pathogenic for Breast-ovarian cancer, familial, susceptibility to, 1. Last evaluated: 2015-10-02. Review status: criteria provided, single submitter. Criteria: CIMBA Mutation Classification guidelines May 2016. Collection method: clinical testing. Allele origin: germline. Not counted in ClinVar's aggregate classification.

BRCAlab, Lund University
Classification: Pathogenic for Breast-ovarian cancer, familial, susceptibility to, 1. Last evaluated: 2022-08-26. Review status: no assertion criteria provided. Collection method: clinical testing. Allele origin: germline. Affected: yes. Not counted in ClinVar's aggregate classification.

Sharing Clinical Reports Project (SCRP)
Classification: Pathogenic for Breast-ovarian cancer, familial 1. Last evaluated: 2011-03-08. Review status: no assertion criteria provided. Collection method: clinical testing. Allele origin: germline. Not counted in ClinVar's aggregate classification.

Breast Cancer Information Core (BIC) (BRCA1)
Classification: Pathogenic for Breast-ovarian cancer, familial 1. Review status: no assertion criteria provided. Collection method: clinical testing. Allele origin: germline. Affected: yes. Observed: 1 variant allele. Not counted in ClinVar's aggregate classification.

Literature cited by the submitters: PubMed 20104584 (cited by Labcorp Genetics (formerly Invitae), Labcorp); PubMed 30175445 (cited by Labcorp Genetics (formerly Invitae), Labcorp).